The following is an entry in ClinVar:

ClinVar aggregate classification (germline): Conflicting classifications of pathogenicity. Review status: criteria provided, conflicting classifications (1 of 4 stars). 9 submissions from 9 submitters: Uncertain significance (7); Likely benign (2). Last evaluated 2026-10-05.

Conditions:
TTN-related disorder. Also called: TTN-related condition; TTN-related disease; TTN-related disorders.
Cardiovascular phenotype. Identifiers: MedGen CN230736.
SUDDEN INFANT DEATH SYNDROME (SIDS). Also called: Sudden Infant Death. Identifiers: MedGen C0038644, MeSH D013398, OMIM 272120.

Allele frequency attached by ClinVar (database versions not stated): gnomAD exomes 0.00005 and 0.00011; ESP Exome Variant Server 0.00008; ExAC 0.00013; TOPMed 0.00015; gnomAD 0.00016; 1000 Genomes Project 0.00040; 1000 Genomes Project 30x 0.00047.
gnomAD v4.1: 101 of 1,613,452 alleles (0.0063%); highest among the groups gnomAD compares: African/African-American, 0.031%; no homozygotes.

Submissions (9):

GeneDx
Classification: Uncertain significance. Last evaluated: 2026-10-05. Review status: criteria provided, single submitter. Criteria: GeneDx Variant Classification Process June 2021. Collection method: clinical testing. Allele origin: germline.
Comment: Reported in an infant with sudden unexpected death (PMID: 35027292); In silico analysis suggests this variant may impact gene splicing. In the absence of RNA/functional studies, the actual effect of this sequence change is unknown.; This variant is associated with the following publications: (PMID: 26659599, 26934580, 28719003, 17344846, 35027292, 22335739)

PreventionGenetics, part of Exact Sciences
Classification: Uncertain significance for TTN-related condition. Last evaluated: 2026-08-28. Review status: criteria provided, single submitter. Criteria: ACMG Guidelines, 2015. Collection method: clinical testing. Allele origin: germline.
Comment: The TTN c.64898G>A variant is predicted to result in the amino acid substitution p.Arg21633Gln. This variant has been reported as uncertain in a pediatric patient with sudden unexpected death (Koh et al. 2022. PubMed ID: 35027292). This variant is reported in 0.037% of alleles in individuals of African descent in gnomAD and has conflicting interpretations regarding its pathogenicity in ClinVar, ranging from likely benign to uncertain (Variation ID: 202789). At this time, the clinical significance of this variant is uncertain due to the absence of conclusive functional and genetic evidence.

Ambry Genetics
Classification: Likely benign for Cardiovascular phenotype. Last evaluated: 2024-10-30. Review status: criteria provided, single submitter. Criteria: Ambry Variant Classification Scheme 2023. Collection method: clinical testing. Allele origin: germline.

Blueprint Genetics
Classification: Likely benign. Last evaluated: 2024-06-06. Review status: criteria provided, single submitter. Criteria: ACMG Guidelines, 2015. Collection method: clinical testing. Allele origin: germline.

Robert's Program, Boston Children's Hospital
Classification: Uncertain significance for SUDDEN INFANT DEATH SYNDROME. Last evaluated: 2021-10-01. Review status: criteria provided, single submitter. Criteria: ACMG Guidelines, 2015. Collection method: research. Allele origin: germline. Affected: yes.
Comment: We classify this variant as a variant of uncertain significance using ACMG/AMP criteria. As this variant is a deleterious splicing variant, we suspect this variant is favoring pathogenic.

Women's Health and Genetics/Laboratory Corporation of America, LabCorp
Classification: Uncertain significance. Last evaluated: 2021-03-15. Review status: criteria provided, single submitter. Criteria: LabCorp Variant Classification Summary - May 2015. Collection method: clinical testing. Allele origin: germline.
Comment: Variant summary: TTN c.57194G>A (p.Arg19065Gln) results in a conservative amino acid change located in the A-band region of the encoded protein sequence. Four of five in-silico tools predict a damaging effect of the variant on protein function. The variant allele was found at a frequency of 0.00011 in 248486 control chromosomes (gnomAD). This frequency is not higher than expected for a pathogenic variant in TTN causing Dilated Cardiomyopathy (0.00011 vs 0.00039), allowing no conclusion about variant significance. To our knowledge, no occurrence of c.57194G>A in individuals affected with Dilated Cardiomyopathy and no experimental evidence demonstrating its impact on protein function have been reported. Four ClinVar submitters (evaluation after 2014) cite the variant as uncertain significance. Based on the evidence outlined above, the variant was classified as uncertain significance.

Revvity Omics, Revvity
Classification: Uncertain significance. Last evaluated: 2020-08-19. Review status: criteria provided, single submitter. Criteria: ACMG Guidelines, 2015. Collection method: clinical testing. Allele origin: germline.

Eurofins Ntd Llc (ga)
Classification: Uncertain significance. Last evaluated: 2018-03-01. Review status: criteria provided, single submitter. Criteria: EGL ClinVar v180209 classification definitions. Collection method: clinical testing. Allele origin: germline. Observed: 2 variant alleles, 2 heterozygotes.

Athena Diagnostics
Classification: Uncertain significance. Last evaluated: 2017-11-10. Review status: criteria provided, single submitter. Criteria: Athena Diagnostics Criteria. Collection method: clinical testing. Allele origin: germline.

Literature cited by the submitters: PubMed 17344846 (cited by Women's Health and Genetics/Laboratory Corporation of America, LabCorp and Athena Diagnostics).

NM_001267550.2(TTN):c.64898G>A (p.Arg21633Gln)

Genes: TTN (titin; minus strand), TTN-AS1 (TTN antisense RNA 1; plus strand). Cytogenetic location: 2q31.2.
Variant type: single nucleotide variant.
Coding change: c.64898G>A on transcript NM_001267550.2 (MANE Select); coding-DNA position 64898, G replaced by A.
Protein change: p.Arg21633Gln; replaces arginine 21633 with glutamine.
Molecular consequence: missense variant. On other transcripts: non-coding transcript variant (1).
Genome position (GRCh38, 1-based): chr2:178,584,743, C>T on the plus strand (G>A on the coding strand, the complement: TTN is on the minus strand). VCF-style: chr2-178584743-C-T. GRCh37 (hg19) VCF-style: chr2-179449470-C-T.
Other names: p.R19992Q:CGG>CAG; c.59975G>A, p.Arg19992Gln (NM_001256850.1); c.37703G>A, p.Arg12568Gln (NM_003319.4); c.57194G>A, p.Arg19065Gln (NM_133378.4); c.38078G>A, p.Arg12693Gln (NM_133432.3); c.38279G>A, p.Arg12760Gln (NM_133437.4); c.64898G>A (LRG_391t1); short protein forms R19992Q, R21633Q, R12568Q, R19065Q, R12693Q, R12760Q.
Identifiers: ClinVar variation 202789 (VCV000202789.24), dbSNP rs141965360, ClinGen allele CA310295.
Genomic context (GRCh38, chr2:178,584,743, plus strand): 5'-GCAACCATCTTTGGAGATGTGAGAGGCTCTGAAATGCCAAATCGGTTTTCAGCACGGACC[C>T]GGAAGATGTACTCCTGGCCTGGGATCAGCTTTCCAACCCTGCAGGAAGTTTTTGTGACTG-3'
Protein context (NP_001254479.2, residues 21623-21643): KLIPGQEYIF[Arg21633Gln]VRAENRFGIS